The following is an entry in ClinVar:

ClinVar aggregate classification (germline): Uncertain significance (1 of 4 stars; one submission).

Submission:

Labcorp Genetics (formerly Invitae), Labcorp
Classification: Uncertain significance. Last evaluated: 2023-10-13. Review status: criteria provided, single submitter. Criteria: Invitae Variant Classification Sherloc (09022015). Collection method: clinical testing. Allele origin: germline.
Comment: This sequence change replaces phenylalanine, which is neutral and non-polar, with leucine, which is neutral and non-polar, at codon 128 of the UNC119 protein (p.Phe128Leu). This variant is not present in population databases (gnomAD no frequency). This variant has not been reported in the literature in individuals affected with UNC119-related conditions. An algorithm developed to predict the effect of missense changes on protein structure and function (PolyPhen-2) suggests that this variant is likely to be disruptive. In summary, the available evidence is currently insufficient to determine the role of this variant in disease. Therefore, it has been classified as a Variant of Uncertain Significance.

NM_005148.4(UNC119):c.384T>A (p.Phe128Leu)

Gene: UNC119 (unc-119 lipid binding chaperone; minus strand). Cytogenetic location: 17q11.2.
Variant type: single nucleotide variant.
Coding change: c.384T>A on transcript NM_005148.4 (MANE Select); coding-DNA position 384, T replaced by A.
Protein change: p.Phe128Leu; replaces phenylalanine 128 with leucine.
Molecular consequence: missense variant.
Genome position (GRCh38, 1-based): chr17:28,548,052, A>T on the plus strand (T>A on the coding strand, the complement: UNC119 is on the minus strand). VCF-style: chr17-28548052-A-T. GRCh37 (hg19) VCF-style: chr17-26875070-A-T.
Other names: c.99T>A, p.Phe33Leu (NM_001330166.2); c.384T>A, p.Phe128Leu (NM_054035.2); short protein forms F33L, F128L.
Identifiers: ClinVar variation 2849742 (VCV002849742.3), dbSNP rs1186577044, ClinGen allele CA398331496.
Genomic context (GRCh38, chr17:28,548,052, plus strand): 5'-GACTCACGTGGCTCCCACCTGCCTCAGGCGGAGGAAGGCAGGCGTGAACTGGTAGCGGAC[A>T]AAGCGCCCAGCATTGGGGTCCAGGTCCCGCCGGTTGATGGGCAACCGTTCTGCAATGTAC-3'
Protein context (NP_005139.1, residues 118-138): RRDLDPNAGR[Phe128Leu]VRYQFTPAFL